The following is an entry in ClinVar:

ClinVar aggregate classification (germline): Uncertain significance (1 of 4 stars; one submission).

Conditions:
PKD1-related disorder. Also called: PKD1-related condition.

Submission:

PreventionGenetics, part of Exact Sciences
Classification: Uncertain significance for PKD1-related condition. Last evaluated: 2026-03-31. Review status: criteria provided, single submitter. Criteria: ACMG Guidelines, 2015. Collection method: clinical testing. Allele origin: germline.
Comment: The PKD1 c.843C>G variant is predicted to result in the amino acid substitution p.His281Gln. To our knowledge, this variant has not been reported in the literature or in a large population database (gnomAD), indicating this variant is rare. At this time, the clinical significance of this variant is uncertain due to the absence of conclusive functional and genetic evidence.

NM_001009944.3(PKD1):c.843C>G (p.His281Gln)

Gene: PKD1 (polycystin 1, transient receptor potential channel interacting; minus strand). Cytogenetic location: 16p13.3.
Variant type: single nucleotide variant.
Coding change: c.843C>G on transcript NM_001009944.3 (MANE Select); coding-DNA position 843, C replaced by G.
Protein change: p.His281Gln; replaces histidine 281 with glutamine.
Molecular consequence: missense variant.
Genome position (GRCh38, 1-based): chr16:2,118,149, G>C on the plus strand (C>G on the coding strand, the complement: PKD1 is on the minus strand). VCF-style: chr16-2118149-G-C. GRCh37 (hg19) VCF-style: chr16-2168150-G-C.
Other names: c.843C>G, p.His281Gln (NM_000296.4); short protein forms H281Q.
Identifiers: ClinVar variation 4991954 (VCV004991954.1).
Genomic context (GRCh38, chr16:2,118,149, plus strand): 5'-AGTGACAGGGAGCGGGGCAGCGATGTGGAAGGCTGCTAGCTGGCCAGAGGCCAGAGGTCC[G>C]TGGGGCCCCACCAGGGTGGCCCCTGGGGAGGCAGGGAAGACGTGCTGGAGGAGGGTGGGG-3'
Protein context (NP_001009944.3, residues 271-291): ASPGATLVGP[His281Gln]GPLASGQLAA